The following is an entry in ClinVar:

NM_000536.4(RAG2):c.1041G>A (p.Met347Ile)

Gene: RAG2 (recombination activating 2; minus strand). Cytogenetic location: 11p12.
Variant type: single nucleotide variant.
Coding change: c.1041G>A on transcript NM_000536.4 (MANE Select); coding-DNA position 1041, G replaced by A.
Protein change: p.Met347Ile; replaces methionine 347 with isoleucine.
Molecular consequence: missense variant.
Genome position (GRCh38, 1-based): chr11:36,593,128, C>T on the plus strand (G>A on the coding strand, the complement: RAG2 is on the minus strand). VCF-style: chr11-36593128-C-T. GRCh37 (hg19) VCF-style: chr11-36614678-C-T.
Other names: c.1041G>A, p.Met347Ile (NM_001243785.2, NM_001243786.2); short protein forms M347I.
Identifiers: ClinVar variation 850505 (VCV000850505.5), dbSNP rs766318035, ClinGen allele CA5950482.

ClinVar aggregate classification (germline): Uncertain significance. Review status: criteria provided, single submitter (1 of 4 stars). 2 submissions from 2 submitters: Uncertain significance (1). 1 of the submissions does not count toward it. Last evaluated 2021-09-01.

Conditions:
Combined immunodeficiency with skin granulomas. Identifiers: Orphanet 157949, MedGen C2673536, MONDO:0009306, OMIM 233650.
Severe combined immunodeficiency, autosomal recessive, T cell-negative, B cell-negative, NK cell-positive. Also called: SCID, AR, T-cell negative, B-cell negative, NK cell-positive; SCID, T CELL-NEGATIVE, B CELL-NEGATIVE, NK CELL-POSITIVE; Severe combined immunodeficiency due to complete RAG1/2 deficiency. Identifiers: Orphanet 331206, MedGen C1832322, MONDO:0011086, OMIM 601457.
Histiocytic medullary reticulosis. Also called: SEVERE COMBINED IMMUNODEFICIENCY WITH HYPEREOSINOPHILIA; Omenn syndrome. Identifiers: Orphanet 39041, MedGen C2700553, MONDO:0011338, OMIM 603554.

Allele frequency attached by ClinVar (database versions not stated): ExAC 0.00001; gnomAD 0.00001; gnomAD exomes 0.00001; TOPMed 0.00001.
gnomAD v4.1: 6 of 1,614,006 alleles (0.00037%); highest among the groups gnomAD compares: Non-Finnish European, 0.00051%; no homozygotes.

Submissions (2):

Labcorp Genetics (formerly Invitae), Labcorp
Classification: Uncertain significance for Combined immunodeficiency with skin granulomas; Severe combined immunodeficiency, autosomal recessive, T cell-negative, B cell-negative, NK cell-positive. Last evaluated: 2021-09-01. Review status: criteria provided, single submitter. Criteria: Invitae Variant Classification Sherloc (09022015). Collection method: clinical testing. Allele origin: germline.
Comment: This sequence change replaces methionine with isoleucine at codon 347 of the RAG2 protein (p.Met347Ile). The methionine residue is weakly conserved and there is a small physicochemical difference between methionine and isoleucine. This variant is present in population databases (rs766318035, ExAC 0.001%). This variant has not been reported in the literature in individuals affected with RAG2-related conditions. Algorithms developed to predict the effect of missense changes on protein structure and function output the following: SIFT: "Tolerated"; PolyPhen-2: "Benign"; Align-GVGD: "Class C0". The isoleucine amino acid residue is found in multiple mammalian species, which suggests that this missense change does not adversely affect protein function. In summary, the available evidence is currently insufficient to determine the role of this variant in disease. Therefore, it has been classified as a Variant of Uncertain Significance.

Natera, Inc.
Classification: Uncertain significance for Omenn syndrome. Last evaluated: 2020-12-09. Review status: no assertion criteria provided. Collection method: clinical testing. Allele origin: germline. Not counted in ClinVar's aggregate classification.